The following is an entry in ClinVar:

ClinVar aggregate classification (germline): Likely benign. Review status: criteria provided, multiple submitters, no conflicts (2 of 4 stars). 2 submissions from 2 submitters: Likely benign (2). Last evaluated 2023-03-23.

Conditions:
Hereditary cancer-predisposing syndrome. Also called: Neoplastic Syndromes, Hereditary; Tumor predisposition; Hereditary Cancer Syndrome; Hereditary neoplastic syndrome. Identifiers: Orphanet 140162, MedGen C0027672, MeSH D009386, MONDO:0015356.

Submissions (2):

University of Washington Department of Laboratory Medicine, University of Washington
Classification: Likely benign for Hereditary cancer-predisposing syndrome. Last evaluated: 2023-03-23. Review status: criteria provided, single submitter. Criteria: Dines et al. (Genet Med. 2020). Collection method: curation. Allele origin: germline.
Comment: Missense variant in a coldspot region where missense variants are very unlikely to be pathogenic (PMID:31911673).

BRCA2 exon 11 coldspot. Reclassification based on statistical prior probability.

Ambry Genetics
Classification: Likely benign for Hereditary cancer-predisposing syndrome. Last evaluated: 2022-03-01. Review status: criteria provided, single submitter. Criteria: Ambry Variant Classification Scheme 2023. Collection method: clinical testing. Allele origin: germline.

NM_000059.4(BRCA2):c.2132G>T (p.Cys711Phe)

Gene: BRCA2 (BRCA2 DNA repair associated; plus strand). Cytogenetic location: 13q13.1.
Variant type: single nucleotide variant.
Coding change: c.2132G>T on transcript NM_000059.4 (MANE Select); coding-DNA position 2132, G replaced by T.
Protein change: p.Cys711Phe; replaces cysteine 711 with phenylalanine.
Molecular consequence: missense variant.
Genome position (GRCh38, 1-based): chr13:32,336,487, G>T. VCF-style: chr13-32336487-G-T. GRCh37 (hg19) VCF-style: chr13-32910624-G-T.
Other names: c.2132G>T, p.Cys711Phe (NM_001406719.1, NM_001406720.1); short protein forms C711F.
Identifiers: ClinVar variation 1786435 (VCV001786435.4), dbSNP rs2072451032, ClinGen allele CA387770087.